The following is an entry in ClinVar:

ClinVar aggregate classification (germline): Conflicting classifications of pathogenicity. Review status: criteria provided, conflicting classifications (1 of 4 stars). 3 submissions from 3 submitters: Uncertain significance (2); Likely benign (1). Last evaluated 2026-03-21.

Conditions:
Congenital contractural arachnodactyly (CCA). Also called: BEALS SYNDROME; Arthrogryposis, distal, type 9; Beals-Hecht syndrome. Identifiers: Orphanet 115, MedGen C0220668, MONDO:0007363, OMIM 121050.
Familial thoracic aortic aneurysm and aortic dissection (TAAD). Also called: Thoracic aortic aneurysms and dissections. Identifiers: Orphanet 91387, MedGen C4707243, MONDO:0019625.

Allele frequency attached by ClinVar (database versions not stated): TOPMed 0.00001; gnomAD exomes 0.00002 and 0.00001; gnomAD 0.00001; ExAC 0.00002; ESP Exome Variant Server 0.00008.
gnomAD v4.1: 20 of 1,613,836 alleles (0.0012%); highest among the groups gnomAD compares: Admixed American, 0.0033%; no homozygotes.

Submissions (3):

Ambry Genetics
Classification: Uncertain significance for Familial thoracic aortic aneurysm and aortic dissection. Last evaluated: 2026-03-21. Review status: criteria provided, single submitter. Criteria: Ambry Variant Classification Scheme 2023. Collection method: clinical testing. Allele origin: germline.
Comment: The p.L2581F variant (also known as c.7741C>T), located in coding exon 61 of the FBN2 gene, results from a C to T substitution at nucleotide position 7741. The leucine at codon 2581 is replaced by phenylalanine, an amino acid with highly similar properties. This amino acid position is conserved. In addition, this alteration is predicted to be tolerated by in silico analysis. Based on the available evidence, the clinical significance of this variant remains unclear.

Labcorp Genetics (formerly Invitae), Labcorp
Classification: Likely benign for Congenital contractural arachnodactyly. Last evaluated: 2025-06-09. Review status: criteria provided, single submitter. Criteria: Invitae Variant Classification Sherloc (09022015). Collection method: clinical testing. Allele origin: germline.

GeneDx
Classification: Uncertain significance. Last evaluated: 2022-11-04. Review status: criteria provided, single submitter. Criteria: GeneDx Variant Classification Process June 2021. Collection method: clinical testing. Allele origin: germline. Affected: yes.
Comment: Not observed at significant frequency in large population cohorts (gnomAD); Although located in a calcium-binding EGF-like domain of the FBN2 gene, it does not substitute or introduce a cysteine residue (Callewaert et al., 2009; Frederic et al., 2009); In silico analysis supports that this missense variant does not alter protein structure/function; Has not been previously published as pathogenic or benign to our knowledge; This variant is associated with the following publications: (PMID: 19006240, 18767143)

NM_001999.4(FBN2):c.7741C>T (p.Leu2581Phe)

Gene: FBN2 (fibrillin 2; minus strand). Cytogenetic location: 5q23.3.
Variant type: single nucleotide variant.
Coding change: c.7741C>T on transcript NM_001999.4 (MANE Select); coding-DNA position 7741, C replaced by T.
Protein change: p.Leu2581Phe; replaces leucine 2581 with phenylalanine.
Molecular consequence: missense variant.
Genome position (GRCh38, 1-based): chr5:128,273,939, G>A on the plus strand (C>T on the coding strand, the complement: FBN2 is on the minus strand). VCF-style: chr5-128273939-G-A. GRCh37 (hg19) VCF-style: chr5-127609631-G-A.
Other names: short protein forms L2581F.
Identifiers: ClinVar variation 842498 (VCV000842498.11), dbSNP rs146316163, ClinGen allele CA3394026.